The following is an entry in ClinVar:

ClinVar aggregate classification (germline): Likely benign. Review status: criteria provided, multiple submitters, no conflicts (2 of 4 stars). 6 submissions from 6 submitters: Likely benign (5). 1 of the submissions does not count toward it. Last evaluated 2026-01-09.

Conditions:
TNXB-related disorder. Also called: TNXB-related condition.
Cardiovascular phenotype. Identifiers: MedGen CN230736.

Allele frequency attached by ClinVar (database versions not stated): ExAC 0.00003; TOPMed 0.00006; gnomAD exomes 0.00008 and 0.00017; gnomAD 0.00009.
gnomAD v4.1: 263 of 1,613,640 alleles (0.016%); highest among the groups gnomAD compares: Non-Finnish European, 0.022%; no homozygotes.

Submissions (6):

Labcorp Genetics (formerly Invitae), Labcorp
Classification: Likely benign. Last evaluated: 2026-01-09. Review status: criteria provided, single submitter. Criteria: Invitae Variant Classification Sherloc (09022015). Collection method: clinical testing. Allele origin: germline.

Women's Health and Genetics/Laboratory Corporation of America, LabCorp
Classification: Likely benign. Last evaluated: 2025-05-06. Review status: criteria provided, single submitter. Criteria: LabCorp Variant Classification Summary - May 2015. Collection method: clinical testing. Allele origin: germline.

CeGaT Center for Human Genetics Tuebingen
Classification: Likely benign. Last evaluated: 2022-11-01. Review status: criteria provided, single submitter. Criteria: CeGaT Center For Human Genetics Tuebingen Variant Classification Criteria Version 2. Collection method: clinical testing. Allele origin: germline. Affected: yes. Observed: 1 variant allele.
Comment: TNXB: BP4, BP7

Ambry Genetics
Classification: Likely benign for Cardiovascular phenotype. Last evaluated: 2021-12-22. Review status: criteria provided, single submitter. Criteria: Ambry Variant Classification Scheme 2023. Collection method: clinical testing. Allele origin: germline.

GeneDx
Classification: Likely benign. Last evaluated: 2019-02-08. Review status: criteria provided, single submitter. Criteria: GeneDx Variant Classification Process June 2021. Collection method: clinical testing. Allele origin: germline. Affected: yes.

PreventionGenetics, part of Exact Sciences
Classification: Likely benign for TNXB-related condition. Last evaluated: 2022-06-20. Review status: no assertion criteria provided. Collection method: clinical testing. Allele origin: germline. Not counted in ClinVar's aggregate classification.
Comment: This variant is classified as likely benign based on ACMG/AMP sequence variant interpretation guidelines (Richards et al. 2015 PMID: 25741868, with internal and published modifications).

NM_001365276.2(TNXB):c.9324G>A (p.Gly3108=)

Gene: TNXB (tenascin XB; minus strand). Cytogenetic location: 6p21.33.
Variant type: single nucleotide variant.
Coding change: c.9324G>A on transcript NM_001365276.2 (MANE Select); coding-DNA position 9324, G replaced by A.
Protein change: p.Gly3108=; no amino-acid change (glycine 3108 retained).
Molecular consequence: synonymous variant.
Genome position (GRCh38, 1-based): chr6:32,050,113, C>T on the plus strand (G>A on the coding strand, the complement: TNXB is on the minus strand). VCF-style: chr6-32050113-C-T. GRCh37 (hg19) VCF-style: chr6-32017890-C-T.
Other names: c.9318G>A, p.Gly3106= (NM_019105.8).
Identifiers: ClinVar variation 1220423 (VCV001220423.31), dbSNP rs748383321, ClinGen allele CA3733563.